The following is an entry in ClinVar:

NM_017947.4(MOCOS):c.413C>T (p.Pro138Leu)

Gene: MOCOS (molybdenum cofactor sulfurase; plus strand). Cytogenetic location: 18q12.2.
Variant type: single nucleotide variant.
Coding change: c.413C>T on transcript NM_017947.4 (MANE Select); coding-DNA position 413, C replaced by T.
Protein change: p.Pro138Leu; replaces proline 138 with leucine.
Molecular consequence: missense variant.
Genome position (GRCh38, 1-based): chr18:36,199,796, C>T. VCF-style: chr18-36199796-C-T. GRCh37 (hg19) VCF-style: chr18-33779759-C-T.
Other names: short protein forms P138L.
Identifiers: ClinVar variation 934577 (VCV000934577.10), dbSNP rs934855065, ClinGen allele CA298654767.

ClinVar aggregate classification (germline): Uncertain significance. Review status: criteria provided, multiple submitters, no conflicts (2 of 4 stars). 2 submissions from 2 submitters: Uncertain significance (2). Last evaluated 2025-01-21.

Conditions:
Xanthinuria type II. Also called: Xanthine dehydrogenase and aldehyde oxidase combined deficiency of; XDH and AOX dual deficiency. Identifiers: Orphanet 3467, Orphanet 93602, MedGen C1863688, MONDO:0011346, OMIM 603592.

Allele frequency attached by ClinVar (database versions not stated): gnomAD exomes below 0.00001 and 0.00001; gnomAD 0.00001; TOPMed 0.00002.
gnomAD v4.1: 18 of 1,614,024 alleles (0.0011%); highest among the groups gnomAD compares: Admixed American, 0.0017%; no homozygotes.

Submissions (2):

Ambry Genetics
Classification: Uncertain significance. Last evaluated: 2025-01-21. Review status: criteria provided, single submitter. Criteria: Ambry Variant Classification Scheme 2023. Collection method: clinical testing. Allele origin: germline.

Labcorp Genetics (formerly Invitae), Labcorp
Classification: Uncertain significance for Xanthinuria type II. Last evaluated: 2019-06-04. Review status: criteria provided, single submitter. Criteria: Invitae Variant Classification Sherloc (09022015). Collection method: clinical testing. Allele origin: germline.
Comment: In summary, the available evidence is currently insufficient to determine the role of this variant in disease. Therefore, it has been classified as a Variant of Uncertain Significance. Algorithms developed to predict the effect of missense changes on protein structure and function (SIFT, PolyPhen-2, Align-GVGD) all suggest that this variant is likely to be tolerated, but these predictions have not been confirmed by published functional studies and their clinical significance is uncertain. This variant has not been reported in the literature in individuals with MOCOS-related conditions. This variant is not present in population databases (ExAC no frequency). This sequence change replaces proline with leucine at codon 138 of the MOCOS protein (p.Pro138Leu). The proline residue is moderately conserved and there is a moderate physicochemical difference between proline and leucine.